The following is an entry in ClinVar:

NM_000243.3(MEFV):c.265G>A (p.Ala89Thr)

Gene: MEFV (MEFV innate immunity regulator, pyrin; minus strand). Cytogenetic location: 16p13.3.
Variant type: single nucleotide variant.
Coding change: c.265G>A on transcript NM_000243.3 (MANE Select); coding-DNA position 265, G replaced by A.
Protein change: p.Ala89Thr; replaces alanine 89 with threonine.
Molecular consequence: missense variant.
Genome position (GRCh38, 1-based): chr16:3,256,323, C>T on the plus strand (G>A on the coding strand, the complement: MEFV is on the minus strand). VCF-style: chr16-3256323-C-T. GRCh37 (hg19) VCF-style: chr16-3306323-C-T.
Other names: c.265G>A, p.Ala89Thr (NM_001198536.2); short protein forms A89T.
Identifiers: ClinVar variation 97513 (VCV000097513.10), dbSNP rs104895124, ClinGen allele CA280577.
Genomic context (GRCh38, chr16:3,256,323, plus strand): 5'-GCAGCCAGCACTCAGCACTGGATGAGGAGGAGGCCTGGGCCCGCTTACCCTGAATGGCTG[C>T]CCTGTGGAGCTCCTCGGCCAGCAGGCGCTGGTTGATGGCCCGCAGGACCTGCAGGGTGAG-3'
Protein context (NP_000234.1, residues 79-99): QRLLAEELHR[Ala89Thr]AIQEYSTQEN

ClinVar aggregate classification (germline): Conflicting classifications of pathogenicity. Review status: criteria provided, conflicting classifications (1 of 4 stars). 11 submissions from 9 submitters: Uncertain significance (8); Likely benign (2). 1 of the submissions does not count toward it. Last evaluated 2026-01-05.

Conditions:
Acute febrile neutrophilic dermatosis (AFND). Also called: Sweet Syndrome; Gomm Button disease. Identifiers: Orphanet 3243, MedGen C0085077, MONDO:0011959, OMIM 608068.
Familial Mediterranean fever (FMF). Also called: POLYSEROSITIS, FAMILIAL PAROXYSMAL; POLYSEROSITIS, RECURRENT; Periodic peritonitis; Benign paroxysmal peritonitis. Identifiers: Orphanet 342, MedGen C0031069, MONDO:0018088, OMIM 249100. Disease mechanism: gain of function.
Familial Mediterranean fever, autosomal dominant. Also called: FMF, AUTOSOMAL DOMINANT; Dominant Familial Mediterranean Fever. Identifiers: Orphanet 342, MedGen C1851347, MONDO:0007601, OMIM 134610.
Von Hippel-Lindau syndrome (VHLS). Also called: Von Hippel-Lindau; VHL syndrome; von Hippel–Lindau syndrome. Identifiers: Orphanet 892, MedGen C0019562, MONDO:0008667, OMIM 193300. Disease mechanism: loss of function.

Allele frequency attached by ClinVar (database versions not stated): gnomAD exomes 0.00001; gnomAD 0.00002; TOPMed 0.00003.
gnomAD v4.1: 17 of 1,613,698 alleles (0.0011%); highest among the groups gnomAD compares: Admixed American, 0.01%; no homozygotes.

Submissions (11):

Labcorp Genetics (formerly Invitae), Labcorp
Classification: Uncertain significance for Familial Mediterranean fever. Last evaluated: 2026-01-05. Review status: criteria provided, single submitter. Criteria: Invitae Variant Classification Sherloc (09022015). Collection method: clinical testing. Allele origin: germline.
Comment: This sequence change replaces alanine, which is neutral and non-polar, with threonine, which is neutral and polar, at codon 89 of the MEFV protein (p.Ala89Thr). This variant is present in population databases (rs104895124, gnomAD 0.007%). This missense change has been observed in individual(s) with familial Mediterranean fever (PMID: 14985395). ClinVar contains an entry for this variant (Variation ID: 97513). An algorithm developed to predict the effect of missense changes on protein structure and function outputs the following: PolyPhen-2: "Benign". The threonine amino acid residue is found in multiple mammalian species, which suggests that this missense change does not adversely affect protein function. Experimental studies are conflicting or provide insufficient evidence to determine the effect of this variant on MEFV function (PMID: 14985395, 25006247). In summary, the available evidence is currently insufficient to determine the role of this variant in disease. Therefore, it has been classified as a Variant of Uncertain Significance.

Johns Hopkins Genomics, Johns Hopkins University
Classification: Uncertain significance for Von Hippel-Lindau syndrome. Last evaluated: 2025-09-25. Review status: criteria provided, single submitter. Criteria: ACMG Guidelines, 2015. Collection method: clinical testing. Allele origin: germline.
Comment: This MEFV missense variant has been reported in individuals, including a mother and daughter, with features of Familial Mediterranean Fever. Renal amyloidosis was not reported in these individuals The variant (rs104895124) is rare (<0.1%) in a large population dataset (gnomAD v4.1.0: 17/ 1613698 total alleles, 0.001%, 0 homozygotes) and has been reported in ClinVar (Variation ID: 97513). Previous studies suggested that this variant would not affect the protein structure and stability. However, two bioinformatic tools queried predict that this substitution would be damaging to the protein and the arginine residue at this position is evolutionary conserved across most of the species assessed. We consider the clinical significance of c.265G>A in MEFV to be uncertain at this time.

Genome-Nilou Lab
Classification: Uncertain significance for Familial Mediterranean fever. Last evaluated: 2023-02-08. Review status: criteria provided, single submitter. Criteria: ACMG Guidelines, 2015. Collection method: clinical testing. Allele origin: germline.

Genome-Nilou Lab
Classification: Likely benign for Familial Mediterranean fever, autosomal dominant. Last evaluated: 2023-02-08. Review status: criteria provided, single submitter. Criteria: ACMG Guidelines, 2015. Collection method: clinical testing. Allele origin: germline.

Genome-Nilou Lab
Classification: Likely benign for Acute febrile neutrophilic dermatosis. Last evaluated: 2023-02-08. Review status: criteria provided, single submitter. Criteria: ACMG Guidelines, 2015. Collection method: clinical testing. Allele origin: germline.

Women's Health and Genetics/Laboratory Corporation of America, LabCorp
Classification: Uncertain significance. Last evaluated: 2022-08-02. Review status: criteria provided, single submitter. Criteria: LabCorp Variant Classification Summary - May 2015. Collection method: clinical testing. Allele origin: germline.
Comment: Variant summary: MEFV c.265G>A (p.Ala89Thr) results in a non-conservative amino acid change located in the DAPIN domain (IPR004020) of the encoded protein sequence which contains the "invariant approximately 90 amino acid N-terminal death-fold motif, the pyrin domain (PYD), that mediates cognate interactions with other proteins" (Masters et al 2009). Three of five in-silico tools predict a damaging effect of the variant on protein function. The variant allele was found at a frequency of 1.2e-05 in 248292 control chromosomes. The available data on variant occurrences in the general population are insufficient to allow any conclusion about variant significance. c.265G>A has been reported in the literature in individuals affected with Familial Mediterranean Fever (example, Cazeneuve_2004, Dundar_2022). These report(s) do not provide unequivocal conclusions about association of the variant with Familial Mediterranean Fever. At least one publication reports experimental evidence evaluating an impact on protein function (example, Vajjhala_2014). These results showed no damaging effect of this variant based on structural, stability with studies demonstrating nearly identifical PYD (pyrin domain)/ASC (adaptor protein) interactions to wild-type pyrin protein. One clinical diagnostic laboratory has submitted clinical-significance assessments for this variant to ClinVar after 2014 without evidence for independent evaluation and classified the variant as uncertain significance. Based on the evidence outlined above, the variant was classified as uncertain significance.

Blueprint Genetics
Classification: Uncertain significance. Last evaluated: 2022-07-13. Review status: criteria provided, single submitter. Criteria: ACMG Guidelines, 2015. Collection method: clinical testing. Allele origin: germline.

Fulgent Genetics
Classification: Uncertain significance for Familial Mediterranean fever, autosomal dominant; Familial Mediterranean fever; Acute febrile neutrophilic dermatosis. Last evaluated: 2021-12-03. Review status: criteria provided, single submitter. Criteria: ACMG Guidelines, 2015. Collection method: clinical testing. Allele origin: unknown.

Department of Pathology and Laboratory Medicine, Sinai Health System
Classification: Uncertain significance for Familial Mediterranean fever, autosomal dominant; Familial Mediterranean fever; Acute febrile neutrophilic dermatosis. Last evaluated: 2021-07-30. Review status: criteria provided, single submitter. Criteria: ACMG Guidelines, 2015. Collection method: research. Allele origin: germline.

Mendelics
Classification: Uncertain significance for Familial Mediterranean fever. Last evaluated: 2019-05-28. Review status: criteria provided, single submitter. Criteria: Mendelics Assertion Criteria 2017. Collection method: clinical testing. Allele origin: unknown.

Unité médicale des maladies autoinflammatoires, CHRU Montpellier
No classification provided. Condition: Familial Mediterranean fever. Review status: no classification provided. Collection method: not provided. Allele origin: unknown. Not counted in ClinVar's aggregate classification.

Literature cited by the submitters: PubMed 14985395 (cited by 3 submitters); PubMed 25006247 (cited by 3 submitters); PubMed 29575132 (cited by Johns Hopkins Genomics, Johns Hopkins University); PubMed 9288758 (cited by Johns Hopkins Genomics, Johns Hopkins University); PubMed 19790133 (cited by Women's Health and Genetics/Laboratory Corporation of America, LabCorp); PubMed 19302049 (cited by Women's Health and Genetics/Laboratory Corporation of America, LabCorp); PubMed 24630722 (cited by Women's Health and Genetics/Laboratory Corporation of America, LabCorp); PubMed 29148036 (cited by Women's Health and Genetics/Laboratory Corporation of America, LabCorp); PubMed 31411330 (cited by Women's Health and Genetics/Laboratory Corporation of America, LabCorp); PubMed 35098403 (cited by Women's Health and Genetics/Laboratory Corporation of America, LabCorp).